The following is an entry in ClinVar:

ClinVar aggregate classification (germline): Uncertain significance (1 of 4 stars; one submission).

Conditions:
Holocarboxylase synthetase deficiency. Also called: MULTIPLE CARBOXYLASE DEFICIENCY, EARLY ONSET. Identifiers: Orphanet 79242, MedGen C0268581, MONDO:0009666, OMIM 253270.

Allele frequency attached by ClinVar (database versions not stated): TOPMed below 0.00001; gnomAD exomes 0.00001; ExAC 0.00002.
gnomAD v4.1: 18 of 1,614,130 alleles (0.0011%); highest among the groups gnomAD compares: Admixed American, 0.0033%; no homozygotes.

Submission:

Labcorp Genetics (formerly Invitae), Labcorp
Classification: Uncertain significance for Holocarboxylase synthetase deficiency. Last evaluated: 2022-04-10. Review status: criteria provided, single submitter. Criteria: Invitae Variant Classification Sherloc (09022015). Collection method: clinical testing. Allele origin: germline.
Comment: This sequence change replaces arginine, which is basic and polar, with tryptophan, which is neutral and slightly polar, at codon 501 of the HLCS protein (p.Arg501Trp). This variant is present in population databases (rs757936455, gnomAD 0.006%). This variant has not been reported in the literature in individuals affected with HLCS-related conditions. Algorithms developed to predict the effect of missense changes on protein structure and function are either unavailable or do not agree on the potential impact of this missense change (SIFT: "Deleterious"; PolyPhen-2: "Probably Damaging"; Align-GVGD: "Class C0"). In summary, the available evidence is currently insufficient to determine the role of this variant in disease. Therefore, it has been classified as a Variant of Uncertain Significance.

NM_001352514.2(HLCS):c.1942C>T (p.Arg648Trp)

Gene: HLCS (holocarboxylase synthetase; minus strand). Cytogenetic location: 21q22.13.
Variant type: single nucleotide variant.
Coding change: c.1942C>T on transcript NM_001352514.2 (MANE Select); coding-DNA position 1942, C replaced by T.
Protein change: p.Arg648Trp; replaces arginine 648 with tryptophan.
Molecular consequence: missense variant. On other transcripts: non-coding transcript variant (2).
Genome position (GRCh38, 1-based): chr21:36,767,236, G>A on the plus strand (C>T on the coding strand, the complement: HLCS is on the minus strand). VCF-style: chr21-36767236-G-A. GRCh37 (hg19) VCF-style: chr21-38139537-G-A.
Other names: c.1501C>T, p.Arg501Trp (NM_000411.8, NM_001242784.3, NM_001242785.2 and 4 more transcripts); short protein forms R501W, R648W.
Identifiers: ClinVar variation 2184858 (VCV002184858.1), dbSNP rs757936455, ClinGen allele CA10020419.